The following is an entry in ClinVar:

NM_016507.4(CDK12):c.875C>T (p.Pro292Leu)

Genes: CDK12 (cyclin dependent kinase 12; plus strand), LOC126862553 (CDK7 strongly-dependent group 2 enhancer GRCh37_chr17:37618166-37619365; plus strand). Cytogenetic location: 17q12.
Variant type: single nucleotide variant.
Coding change: c.875C>T on transcript NM_016507.4 (MANE Select); coding-DNA position 875, C replaced by T.
Protein change: p.Pro292Leu; replaces proline 292 with leucine.
Molecular consequence: missense variant.
Genome position (GRCh38, 1-based): chr17:39,462,946, C>T. VCF-style: chr17-39462946-C-T. GRCh37 (hg19) VCF-style: chr17-37619199-C-T.
Other names: c.875C>T, p.Pro292Leu (NM_015083.4); short protein forms P292L.
Identifiers: ClinVar variation 3489180 (VCV003489180.1).
Genomic context (GRCh38, chr17:39,462,946, plus strand): 5'-GGCAGTCGGTCAGTCCCCCTTACAAGGAGCCTTCGGCCTACCAGTCCAGCACCCGGTCAC[C>T]GAGCCCCTACAGTAGGCGACAGAGATCTGTCAGTCCCTATAGCAGGAGACGGTCGTCCAG-3'
Protein context (NP_057591.2, residues 282-302): PSAYQSSTRS[Pro292Leu]SPYSRRQRSV

ClinVar aggregate classification (germline): Uncertain significance (1 of 4 stars; one submission).

gnomAD v4.1: 3 of 1,614,182 alleles (0.00019%); highest among the groups gnomAD compares: South Asian, 0.0033%; no homozygotes.

Submission:

Ambry Genetics
Classification: Uncertain significance. Last evaluated: 2024-10-17. Review status: criteria provided, single submitter. Criteria: Ambry Variant Classification Scheme 2023. Collection method: clinical testing. Allele origin: germline.
Comment: The p.P292L variant (also known as c.875C>T), located in coding exon 1 of the CDK12 gene, results from a C to T substitution at nucleotide position 875. The proline at codon 292 is replaced by leucine, an amino acid with similar properties. This amino acid position is conserved. In addition, this alteration is predicted to be tolerated by in silico analysis. Based on the available evidence, the clinical significance of this variant remains unclear.